The following is an entry in ClinVar:

NM_005989.4(AKR1D1):c.*36C>T

Gene: AKR1D1 (aldo-keto reductase family 1 member D1; plus strand). Cytogenetic location: 7q33.
Variant type: single nucleotide variant.
Coding change: c.*36C>T on transcript NM_005989.4 (MANE Select); 36 bases downstream of the stop codon, C replaced by T.
Molecular consequence: 3 prime UTR variant.
Genome position (GRCh38, 1-based): chr7:138,116,698, C>T. VCF-style: chr7-138116698-C-T. GRCh37 (hg19) VCF-style: chr7-137801444-C-T.
Other names: c.*36C>T (NM_001190906.2); c.*61C>T (NM_001190907.2).
Identifiers: ClinVar variation 358956 (VCV000358956.7), dbSNP rs1872930, ClinGen allele CA4502911.
Genomic context (GRCh38, chr7:138,116,698, plus strand): 5'-ATACCCATTTCATGATGAATACTGACTGCAGGGAGTTCCTGAACAGATTTTTCACTCCCA[C>T]GAGTGCCAAGACGGTGCAATGGGTAGTCCCCTAGATGTGAAAATGAAGAGAGAGGGTTTT-3'

ClinVar aggregate classification (germline): Benign. Review status: criteria provided, multiple submitters, no conflicts (2 of 4 stars). 3 submissions from 3 submitters: Benign (3). Last evaluated 2018-11-10.

Conditions:
Congenital bile acid synthesis defect 2 (CBAS2). Also called: CHOLESTASIS WITH DELTA(4)-3-OXOSTEROID 5-BETA-REDUCTASE DEFICIENCY. Identifiers: Orphanet 79303, MedGen C1856127, MONDO:0009339, OMIM 235555.

Allele frequency attached by ClinVar (database versions not stated): gnomAD exomes 0.76949 and 0.78661; 1000 Genomes Project 0.77796; ExAC 0.77813; 1000 Genomes Project 30x 0.77904; TOPMed 0.79045; gnomAD 0.79952 and 0.80337; ESP Exome Variant Server 0.81739.
gnomAD v4.1: 1,264,561 of 1,605,206 alleles (79%); highest among the groups gnomAD compares: African/African-American, 87%; 499,633 homozygotes.

Submissions (3):

GeneDx
Classification: Benign. Last evaluated: 2018-11-10. Review status: criteria provided, single submitter. Criteria: GeneDx Variant Classification Process June 2021. Collection method: clinical testing. Allele origin: germline. Affected: yes.
Comment: This variant is associated with the following publications: (PMID: 23704699)

Illumina Laboratory Services, Illumina
Classification: Benign for Congenital bile acid synthesis defect 2. Last evaluated: 2018-01-13. Review status: criteria provided, single submitter. Criteria: ICSL Variant Classification Criteria 13 December 2019. Collection method: clinical testing. Allele origin: germline.
Comment: This variant was observed in the ICSL laboratory as part of a predisposition screen in an ostensibly healthy population. It had not been previously curated by ICSL or reported in the Human Gene Mutation Database (HGMD: prior to June 1st, 2018), and was therefore a candidate for classification through an automated scoring system. Utilizing variant allele frequency, disease prevalence and penetrance estimates, and inheritance mode, an automated score was calculated to assess if this variant is too frequent to cause the disease. Based on the score and internal cut-off values, a variant classified as benign is not then subjected to further curation. The score for this variant resulted in a classification of benign for this disease.

Breakthrough Genomics
Classification: Benign. Review status: criteria provided, single submitter. Criteria: ACMG Guidelines, 2015. Collection method: not provided. Allele origin: germline. Inheritance: Autosomal recessive inheritance. Affected: yes.